The following is an entry in ClinVar:

NM_001165963.4(SCN1A):c.2948T>C (p.Val983Ala)

Gene: SCN1A (sodium voltage-gated channel alpha subunit 1; minus strand). Cytogenetic location: 2q24.3.
Variant type: single nucleotide variant.
Coding change: c.2948T>C on transcript NM_001165963.4 (MANE Select); coding-DNA position 2948, T replaced by C.
Protein change: p.Val983Ala; replaces valine 983 with alanine.
Molecular consequence: missense variant. On other transcripts: non-coding transcript variant (1).
Genome position (GRCh38, 1-based): chr2:166,036,529, A>G on the plus strand (T>C on the coding strand, the complement: SCN1A is on the minus strand). VCF-style: chr2-166036529-A-G. GRCh37 (hg19) VCF-style: chr2-166893039-A-G.
Other names: c.2864T>C, p.Val955Ala (NM_001165964.3, NM_001353957.2, NM_001353958.2); c.2948T>C, p.Val983Ala (NM_001202435.3, NM_001353948.2); c.2915T>C, p.Val972Ala (NM_001353949.2, NM_001353950.2, NM_001353951.2 and 2 more transcripts); c.2912T>C, p.Val971Ala (NM_001353954.2, NM_001353955.2); c.2861T>C, p.Val954Ala (NM_001353960.2); c.506T>C, p.Val169Ala (NM_001353961.2); short protein forms V972A, V983A, V954A, V169A, V955A, V971A.
Identifiers: ClinVar variation 68610 (VCV000068610.4), dbSNP rs121918756, ClinGen allele CA285114.

ClinVar aggregate classification (germline): Likely pathogenic. Review status: no assertion criteria provided (0 of 4 stars). 2 submissions from 2 submitters: Likely pathogenic (1). 1 of the submissions does not count toward it.

Conditions:
Severe myoclonic epilepsy in infancy (DRVT). Also called: Dravet syndrome; SEVERE MYOCLONIC EPILEPSY OF INFANCY; DEVELOPMENTAL AND EPILEPTIC ENCEPHALOPATHY 6A; Severe Myoclonic Epilepsy in Infancy (SMEI); Epileptic encephalopathy, early infantile, 6 (Dravet syndrome). Identifiers: Orphanet 33069, MedGen C0751122, MONDO:0100135, OMIM 607208.

Submissions (3):

Channelopathy-Associated Epilepsy Research Center
No classification provided (evidence only). Condition: Severe myoclonic epilepsy in infancy. Review status: no classification provided. Collection method: literature only. Allele origin: not applicable. Functional consequence: Moderate decrease in peak current, Moderate depolarizing shift of voltage dependence of activation, Normal slope of activation, Severe hyperpolarizing shift of voltage dependence of fast inactivation, Normal slope of fast inactivation, Slowing of recovery from fast inactivation, Acceleration of fast inactivation, Normal persistent current, Slowing of entry into slow inactivation, Depolarizing shift of voltage dependence of slow inactivation, Increase in slope of slow inactivation, Acceleration of recovery from slow inactivation, Decrease of decay in current amplitude in use dependence, Overall mixed or unclear functional effect with respect to biophysical channel activity. Not counted in ClinVar's aggregate classification.
ClinVar note: "not provided" was previously submitted as the classification for the variant. However, the classification appeared to be based only on an observation of functional data so it was converted to no classification on 2025-07-30.

Hong-Tao Li Lab, Institute of Brain Science and Brain-inspired Research, Shandong First Medical University & Shandong Academy of Medical Sciences China
Classification: Likely pathogenic for Severe myoclonic epilepsy in infancy. Review status: no assertion criteria provided. Collection method: research. Allele origin: germline. Inheritance: Autosomal dominant inheritance. Affected: yes. Observed: 1 variant allele, 1 heterozygote.
Comment: Observed in affected individuals from a Pakistani neurodevelopmental-disorder research cohort of 263 individuals. Classification assigned using the ACMG/AMP framework.

UniProtKB/Swiss-Prot
No classification provided. Condition: Severe myoclonic epilepsy in infancy. Review status: no classification provided. Collection method: not provided. Allele origin: germline. Not counted in ClinVar's aggregate classification.
Comment: Intractable childhood epilepsy with generalized tonic-clonic seizures

Literature cited by the submitters: PubMed 16210358 (cited by Channelopathy-Associated Epilepsy Research Center).